The following is an entry in ClinVar:

NM_017934.7(PHIP):c.3541G>T (p.Ala1181Ser)

Genes: IRAK1BP1 (interleukin 1 receptor associated kinase 1 binding protein 1; plus strand), PHIP (PHIP subunit of CUL4-Ring ligase complex; minus strand). Cytogenetic location: 6q14.1.
Variant type: single nucleotide variant.
Coding change: c.3541G>T on transcript NM_017934.7 (MANE Select); coding-DNA position 3541, G replaced by T.
Protein change: p.Ala1181Ser; replaces alanine 1181 with serine.
Molecular consequence: missense variant.
Genome position (GRCh38, 1-based): chr6:78,961,805, C>A on the plus strand (G>T on the coding strand, the complement: PHIP is on the minus strand). VCF-style: chr6-78961805-C-A. GRCh37 (hg19) VCF-style: chr6-79671522-C-A.
Other names: c.3541G>T (NM_017934.6); short protein forms A1181S.
Identifiers: ClinVar variation 1971448 (VCV001971448.8), dbSNP rs147526156, ClinGen allele CA3899658.
Genomic context (GRCh38, chr6:78,961,805, plus strand): 5'-CCACTACTGTGCAATACATGGGATAGGCTTGCAGATCCACGGGGGCCACAAATGCTGAGG[C>A]AATATCTAAAATAAATAGATAAGTTTGTAAATTTATTTTTGTATGCCTAAAATAATTCAA-3'
Protein context (NP_060404.4, residues 1171-1191): GINQLMTLDI[Ala1181Ser]SAFVAPVDLQ

ClinVar aggregate classification (germline): Conflicting classifications of pathogenicity. Review status: criteria provided, conflicting classifications (1 of 4 stars). 2 submissions from 2 submitters: Uncertain significance (1); Benign (1). Last evaluated 2026-07-14.

Conditions:
PHIP-related disorder. Also called: PHIP-related condition; PHIP-related disorders.

Allele frequency attached by ClinVar (database versions not stated): gnomAD 0.00006; TOPMed 0.00006; ESP Exome Variant Server 0.00015; 1000 Genomes Project 30x 0.00016; ExAC 0.00016; 1000 Genomes Project 0.00020.
gnomAD v4.1: 88 of 1,606,586 alleles (0.0055%); highest among the groups gnomAD compares: Middle Eastern, 0.083%; no homozygotes.

Submissions (2):

PreventionGenetics, part of Exact Sciences
Classification: Uncertain significance for PHIP-related condition. Last evaluated: 2026-07-14. Review status: criteria provided, single submitter. Criteria: ACMG Guidelines, 2015. Collection method: clinical testing. Allele origin: germline.
Comment: The PHIP c.3541G>T variant is predicted to result in the amino acid substitution p.Ala1181Ser. To our knowledge, this variant has not been reported in the literature in individuals with PHIP-related disorders. This variant is reported in 0.041% of alleles in individuals of South Asian descent in gnomAD. Although we suspect that this variant may be benign, at this time, the clinical significance of this variant is uncertain due to the absence of conclusive functional and genetic evidence.

Labcorp Genetics (formerly Invitae), Labcorp
Classification: Benign. Last evaluated: 2025-11-17. Review status: criteria provided, single submitter. Criteria: Invitae Variant Classification Sherloc (09022015). Collection method: clinical testing. Allele origin: germline.